The following is an entry in ClinVar:

NM_000435.3(NOTCH3):c.2071C>A (p.Leu691Ile)

Gene: NOTCH3 (notch receptor 3; minus strand). Cytogenetic location: 19p13.12.
Variant type: single nucleotide variant.
Coding change: c.2071C>A on transcript NM_000435.3 (MANE Select); coding-DNA position 2071, C replaced by A.
Protein change: p.Leu691Ile; replaces leucine 691 with isoleucine.
Molecular consequence: missense variant.
Genome position (GRCh38, 1-based): chr19:15,185,560, G>T on the plus strand (C>A on the coding strand, the complement: NOTCH3 is on the minus strand). VCF-style: chr19-15185560-G-T. GRCh37 (hg19) VCF-style: chr19-15296371-G-T.
Other names: short protein forms L691I.
Identifiers: ClinVar variation 1807366 (VCV001807366.4), dbSNP rs770280795, ClinGen allele CA9263452.
Genomic context (GRCh38, chr19:15,185,560, plus strand): 5'-CATAGCAGATGCCGTGACTGCAGGGCTCATGGGCACAGGGATGGCTCGGGGGGAGGCAGA[G>T]TGGGGGCAAGGAGCCAGGCGGGCAGAGGCAGCGGAAGCCATTTTCCCCATCCACACAGGA-3'
Protein context (NP_000426.2, residues 681-701): CLCPPGSLPP[Leu691Ile]CLPPSHPCAH

ClinVar aggregate classification (germline): Uncertain significance. Review status: criteria provided, multiple submitters, no conflicts (2 of 4 stars). 2 submissions from 2 submitters: Uncertain significance (2). Last evaluated 2024-01-24.

Allele frequency attached by ClinVar (database versions not stated): ExAC 0.00001; gnomAD 0.00001; gnomAD exomes 0.00001.
gnomAD v4.1: 21 of 1,612,538 alleles (0.0013%); highest among the groups gnomAD compares: Non-Finnish European, 0.0017%; no homozygotes.

Submissions (2):

Labcorp Genetics (formerly Invitae), Labcorp
Classification: Uncertain significance. Last evaluated: 2024-01-24. Review status: criteria provided, single submitter. Criteria: Invitae Variant Classification Sherloc (09022015). Collection method: clinical testing. Allele origin: germline.
Comment: This sequence change replaces leucine, which is neutral and non-polar, with isoleucine, which is neutral and non-polar, at codon 691 of the NOTCH3 protein (p.Leu691Ile). This variant is present in population databases (rs770280795, gnomAD 0.002%). This variant has not been reported in the literature in individuals affected with NOTCH3-related conditions. ClinVar contains an entry for this variant (Variation ID: 1807366). Advanced modeling of protein sequence and biophysical properties (such as structural, functional, and spatial information, amino acid conservation, physicochemical variation, residue mobility, and thermodynamic stability) performed at Invitae indicates that this missense variant is not expected to disrupt NOTCH3 protein function with a negative predictive value of 95%. In summary, the available evidence is currently insufficient to determine the role of this variant in disease. Therefore, it has been classified as a Variant of Uncertain Significance.

Athena Diagnostics
Classification: Uncertain significance. Last evaluated: 2021-06-17. Review status: criteria provided, single submitter. Criteria: Athena Diagnostics Criteria. Collection method: clinical testing. Allele origin: unknown.